The following is an entry in ClinVar:

ClinVar aggregate classification (germline): Pathogenic. Review status: criteria provided, multiple submitters, no conflicts (2 of 4 stars). 3 submissions from 3 submitters: Pathogenic (2). 1 of the submissions does not count toward it. Last evaluated 2024-04-08.

Conditions:
Very long chain acyl-CoA dehydrogenase deficiency (ACADVLD). Also called: VLCAD Deficiency; Very Long-Chain Acyl-Coenzyme A Dehydrogenase Deficiency. Identifiers: Orphanet 26793, MedGen C3887523, MONDO:0008723, OMIM 201475.

gnomAD v4.1: 1 of 1,613,796 alleles (0.000062%); highest among the groups gnomAD compares: Non-Finnish European, 0.000085%; no homozygotes.

Submissions (3):

Labcorp Genetics (formerly Invitae), Labcorp
Classification: Pathogenic for Very long chain acyl-CoA dehydrogenase deficiency. Last evaluated: 2024-04-08. Review status: criteria provided, single submitter. Criteria: Invitae Variant Classification Sherloc (09022015). Collection method: clinical testing. Allele origin: germline.
Comment: This sequence change affects a donor splice site in intron 16 of the ACADVL gene. It is expected to disrupt RNA splicing. Variants that disrupt the donor or acceptor splice site typically lead to a loss of protein function (PMID: 16199547), and loss-of-function variants in ACADVL are known to be pathogenic (PMID: 9973285, 11590124). This variant is not present in population databases (gnomAD no frequency). Disruption of this splice site has been observed in individual(s) with very long-chain acyl-CoA dehydrogenase deficiency (PMID: 24801231). ClinVar contains an entry for this variant (Variation ID: 1460064). Algorithms developed to predict the effect of sequence changes on RNA splicing suggest that this variant may disrupt the consensus splice site. For these reasons, this variant has been classified as Pathogenic.

Juno Genomics, Hangzhou Juno Genomics, Inc
Classification: Pathogenic for Very long chain acyl-CoA dehydrogenase deficiency. Review status: criteria provided, single submitter. Criteria: ACMG Guidelines, 2015. Collection method: clinical testing. Allele origin: germline.
Comment: Absent from controls (or at extremely low frequency if recessive) in Genome Aggregation Database.;Null variant in a gene where loss of function (LOF) is a known mechanism of disease.;For recessive disorders, detected in trans with a pathogenic variant.;Patient's phenotype or family history is highly specific for a disease with a single genetic etiology.

Neonatal Disease Screening Center, Medical Genetics Center, Huaihua City Maternal and Child Health Care Hospital
Classification: Pathogenic for Very long chain acyl-CoA dehydrogenase deficiency. Review status: no assertion criteria provided. Criteria: ACMG Guidelines, 2015. Collection method: clinical testing. Allele origin: germline. Affected: yes. Observed: 1 variant allele. Not counted in ClinVar's aggregate classification.
Comment: PVS1+PM2_P+PM3_P+PP4

Literature cited by the submitters: PubMed 16199547 (cited by Labcorp Genetics (formerly Invitae), Labcorp); PubMed 9973285 (cited by Labcorp Genetics (formerly Invitae), Labcorp); PubMed 11590124 (cited by Labcorp Genetics (formerly Invitae), Labcorp); PubMed 24801231 (cited by Labcorp Genetics (formerly Invitae), Labcorp).

NM_000018.4(ACADVL):c.1605+1G>T

Gene: ACADVL (acyl-CoA dehydrogenase very long chain; plus strand). Cytogenetic location: 17p13.1.
Variant type: single nucleotide variant.
Coding change: c.1605+1G>T on transcript NM_000018.4 (MANE Select); the canonical splice donor site of the intron after coding-DNA position 1605, G replaced by T.
Molecular consequence: splice donor variant.
Genome position (GRCh38, 1-based): chr17:7,224,394, G>T. VCF-style: chr17-7224394-G-T. GRCh37 (hg19) VCF-style: chr17-7127713-G-T.
Other names: c.1674+1G>T (NM_001270447.2); c.1377+1G>T (NM_001270448.2); c.1539+1G>T (NM_001033859.3).
Identifiers: ClinVar variation 1460064 (VCV001460064.10), dbSNP rs2142988018, ClinGen allele CA397725470.